The following is an entry in ClinVar:

ClinVar aggregate classification (germline): Uncertain significance (1 of 4 stars; one submission).

Conditions:
Cardiovascular phenotype. Identifiers: MedGen CN230736.

Allele frequency attached by ClinVar (database versions not stated): gnomAD exomes below 0.00001; TOPMed below 0.00001; gnomAD 0.00001.
gnomAD v4.1: 2 of 1,613,982 alleles (0.00012%); highest among the groups gnomAD compares: Non-Finnish European, 0.00017%; no homozygotes.

Submission:

Ambry Genetics
Classification: Uncertain significance for Cardiovascular phenotype. Last evaluated: 2019-09-27. Review status: criteria provided, single submitter. Criteria: Ambry Variant Classification Scheme 2023. Collection method: clinical testing. Allele origin: germline.
Comment: The p.P816S variant (also known as c.2446C>T), located in coding exon 14 of the TTN gene, results from a C to T substitution at nucleotide position 2446. The proline at codon 816 is replaced by serine, an amino acid with similar properties. This amino acid position is highly conserved in available vertebrate species. In addition, the in silico prediction for this alteration is inconclusive. Since supporting evidence is limited at this time, the clinical significance of this alteration remains unclear.

NM_001267550.2(TTN):c.2584C>T (p.Pro862Ser)

Gene: TTN (titin; minus strand). Cytogenetic location: 2q31.2.
Variant type: single nucleotide variant.
Coding change: c.2584C>T on transcript NM_001267550.2 (MANE Select); coding-DNA position 2584, C replaced by T.
Protein change: p.Pro862Ser; replaces proline 862 with serine.
Molecular consequence: missense variant.
Genome position (GRCh38, 1-based): chr2:178,784,261, G>A on the plus strand (C>T on the coding strand, the complement: TTN is on the minus strand). VCF-style: chr2-178784261-G-A. GRCh37 (hg19) VCF-style: chr2-179648988-G-A.
Other names: c.2584C>T, p.Pro862Ser (NM_001256850.1, NM_133378.4, NM_133379.5); c.2446C>T, p.Pro816Ser (NM_003319.4, NM_133432.3, NM_133437.4); short protein forms P862S, P816S.
Identifiers: ClinVar variation 1791396 (VCV001791396.2), dbSNP rs1393348431, ClinGen allele CA349496536.